The following is an entry in ClinVar:

NM_133638.6(ADAMTS19):c.407C>A (p.Ala136Asp)

Gene: ADAMTS19 (ADAM metallopeptidase with thrombospondin type 1 motif 19; plus strand). Cytogenetic location: 5q23.3.
Variant type: single nucleotide variant.
Coding change: c.407C>A on transcript NM_133638.6 (MANE Select); coding-DNA position 407, C replaced by A.
Protein change: p.Ala136Asp; replaces alanine 136 with aspartic acid.
Molecular consequence: missense variant.
Genome position (GRCh38, 1-based): chr5:129,461,417, C>A. VCF-style: chr5-129461417-C-A. GRCh37 (hg19) VCF-style: chr5-128797110-C-A.
Other names: short protein forms A136D.
Identifiers: ClinVar variation 3233453 (VCV003233453.2), dbSNP rs2479602603, ClinGen allele CA360828546.

ClinVar aggregate classification (germline): Uncertain significance (1 of 4 stars; one submission).

Submission:

Women's Health and Genetics/Laboratory Corporation of America, LabCorp
Classification: Uncertain significance. Last evaluated: 2024-03-29. Review status: criteria provided, single submitter. Criteria: LabCorp Variant Classification Summary - May 2015. Collection method: clinical testing. Allele origin: germline.
Comment: Variant summary: ADAMTS19 c.407C>A (p.Ala136Asp) results in a non-conservative amino acid change in the encoded protein sequence. Four of five in-silico tools predict a benign effect of the variant on protein function. The variant was absent in 65108 control chromosomes (gnomAD). The available data on variant occurrences in the general population are insufficient to allow any conclusion about variant significance. To our knowledge, no occurrence of c.407C>A in individuals affected with Cardiac Valvular Dysplasia 2 and no experimental evidence demonstrating its impact on protein function have been reported. No submitters have cited clinical-significance assessments for this variant to ClinVar. Based on the evidence outlined above, the variant was classified as uncertain significance.